The following is an entry in ClinVar:

NM_014515.7(CNOT2):c.510G>A (p.Ser170=)

Gene: CNOT2 (CCR4-NOT transcription complex subunit 2; plus strand). Cytogenetic location: 12q15.
Variant type: single nucleotide variant.
Coding change: c.510G>A on transcript NM_014515.7 (MANE Select); coding-DNA position 510, G replaced by A.
Protein change: p.Ser170=; no amino-acid change (serine 170 retained).
Molecular consequence: synonymous variant. On other transcripts: non-coding transcript variant (1), intron variant (1).
Genome position (GRCh38, 1-based): chr12:70,330,410, G>A. VCF-style: chr12-70330410-G-A. GRCh37 (hg19) VCF-style: chr12-70724190-G-A.
Other names: c.510G>A, p.Ser170= (NM_001199302.2, NM_001199303.2, NM_001414651.1 and 1 more transcripts); c.483G>A, p.Ser161= (NM_001414653.1, NM_001414654.1, NM_001414655.1); c.468G>A, p.Ser156= (NM_001414656.1); c.450G>A, p.Ser150= (NM_001414657.1, NM_001414658.1, NM_001414659.1 and 1 more transcripts); c.387G>A, p.Ser129= (NM_001414661.1); c.386+840G>A (NM_001414662.1).
Identifiers: ClinVar variation 5041184 (VCV005041184.1).

ClinVar aggregate classification (germline): Likely benign (1 of 4 stars; one submission).

Submission:

CeGaT Center for Human Genetics Tuebingen
Classification: Likely benign. Last evaluated: 2026-09-01. Review status: criteria provided, single submitter. Criteria: CeGaT Center For Human Genetics Tuebingen Variant Classification Criteria Version 2. Collection method: clinical testing. Allele origin: germline. Affected: yes. Observed: 1 variant allele.
Comment: CNOT2: BP4, BS1